The following is an entry in ClinVar:

NM_000059.4(BRCA2):c.6767G>C (p.Cys2256Ser)

Gene: BRCA2 (BRCA2 DNA repair associated; plus strand). Cytogenetic location: 13q13.1.
Variant type: single nucleotide variant.
Coding change: c.6767G>C on transcript NM_000059.4 (MANE Select); coding-DNA position 6767, G replaced by C.
Protein change: p.Cys2256Ser; replaces cysteine 2256 with serine.
Molecular consequence: missense variant.
Genome position (GRCh38, 1-based): chr13:32,341,122, G>C. VCF-style: chr13-32341122-G-C. GRCh37 (hg19) VCF-style: chr13-32915259-G-C.
Other names: c.6767G>C, p.Cys2256Ser (NM_001406719.1, NM_001406720.1); short protein forms C2256S.
Identifiers: ClinVar variation 1755321 (VCV001755321.4), dbSNP rs80358900, ClinGen allele CA387791206.

ClinVar aggregate classification (germline): Conflicting classifications of pathogenicity. Review status: criteria provided, conflicting classifications (1 of 4 stars). 2 submissions from 2 submitters: Uncertain significance (1); Likely benign (1). Last evaluated 2023-03-23.

Conditions:
Hereditary cancer-predisposing syndrome. Also called: Neoplastic Syndromes, Hereditary; Tumor predisposition; Hereditary Cancer Syndrome; Hereditary neoplastic syndrome. Identifiers: Orphanet 140162, MedGen C0027672, MeSH D009386, MONDO:0015356.

Submissions (2):

University of Washington Department of Laboratory Medicine, University of Washington
Classification: Likely benign for Hereditary cancer-predisposing syndrome. Last evaluated: 2023-03-23. Review status: criteria provided, single submitter. Criteria: Dines et al. (Genet Med. 2020). Collection method: curation. Allele origin: germline.
Comment: Missense variant in a coldspot region where missense variants are very unlikely to be pathogenic (PMID:31911673).

BRCA2 exon 11 coldspot. Reclassification based on statistical prior probability.

Ambry Genetics
Classification: Uncertain significance for Hereditary cancer-predisposing syndrome. Last evaluated: 2021-05-12. Review status: criteria provided, single submitter. Criteria: Ambry Variant Classification Scheme 2023. Collection method: clinical testing. Allele origin: germline.
Comment: The p.C2256S variant (also known as c.6767G>C), located in coding exon 10 of the BRCA2 gene, results from a G to C substitution at nucleotide position 6767. The cysteine at codon 2256 is replaced by serine, an amino acid with dissimilar properties. This amino acid position is not well conserved in available vertebrate species. In addition, this alteration is predicted to be tolerated by in silico analysis. Since supporting evidence is limited at this time, the clinical significance of this alteration remains unclear.